The following is an entry in ClinVar:

ClinVar aggregate classification (germline): Uncertain significance (1 of 4 stars; one submission).

Conditions:
Duchenne muscular dystrophy (DMD). Also called: MUSCULAR DYSTROPHY, PSEUDOHYPERTROPHIC PROGRESSIVE, DUCHENNE TYPE; Duchenne Muscular Dystrophy (DMD). Identifiers: Orphanet 98896, MedGen C0013264, MONDO:0010679, OMIM 310200.

Submission:

Labcorp Genetics (formerly Invitae), Labcorp
Classification: Uncertain significance for Duchenne muscular dystrophy. Last evaluated: 2022-06-22. Review status: criteria provided, single submitter. Criteria: Invitae Variant Classification Sherloc (09022015). Collection method: clinical testing. Allele origin: germline.
Comment: This sequence change falls in intron 16 of the DMD gene. It does not directly change the encoded amino acid sequence of the DMD protein. It affects a nucleotide within the consensus splice site. This variant is not present in population databases (gnomAD no frequency). This variant has not been reported in the literature in individuals affected with DMD-related conditions. Variants that disrupt the consensus splice site are a relatively common cause of aberrant splicing (PMID: 17576681, 9536098). Algorithms developed to predict the effect of sequence changes on RNA splicing suggest that this variant is not likely to affect RNA splicing. In summary, the available evidence is currently insufficient to determine the role of this variant in disease. Therefore, it has been classified as a Variant of Uncertain Significance.

Literature cited by the submitters: PubMed 17576681; PubMed 9536098.

NM_004006.3(DMD):c.1992+4A>T

Gene: DMD (dystrophin; minus strand). Cytogenetic location: Xp21.1.
Variant type: single nucleotide variant.
Coding change: c.1992+4A>T on transcript NM_004006.3 (MANE Select); 4 bases into the intron after coding-DNA position 1992, A replaced by T.
Molecular consequence: intron variant.
Genome position (GRCh38, 1-based): chrX:32,565,698, T>A on the plus strand (A>T on the coding strand, the complement: DMD is on the minus strand). VCF-style: chrX-32565698-T-A. GRCh37 (hg19) VCF-style: chrX-32583815-T-A.
Other names: c.1968+4A>T (NM_000109.4); c.1980+4A>T (NM_004009.3); c.1623+4A>T (NM_004010.3).
Identifiers: ClinVar variation 2008928 (VCV002008928.4), dbSNP rs2526581730, ClinGen allele CA2580100695.